The following is an entry in ClinVar:

NM_000426.4(LAMA2):c.106C>T (p.Gln36Ter)

Gene: LAMA2 (laminin subunit alpha 2; plus strand). Cytogenetic location: 6q22.33.
Variant type: single nucleotide variant.
Coding change: c.106C>T on transcript NM_000426.4 (MANE Select); coding-DNA position 106, C replaced by T.
Protein change: p.Gln36Ter; replaces glutamine 36 with a stop codon.
Molecular consequence: nonsense.
Genome position (GRCh38, 1-based): chr6:128,883,351, C>T. VCF-style: chr6-128883351-C-T. GRCh37 (hg19) VCF-style: chr6-129204496-C-T.
Other names: c.106C>T, p.Gln36Ter (NM_001079823.2); short protein forms Q36*.
Identifiers: ClinVar variation 552296 (VCV000552296.5), dbSNP rs1360796756, ClinGen allele CA365828360.

ClinVar aggregate classification (germline): Pathogenic. Review status: criteria provided, single submitter (1 of 4 stars). 2 submissions from 2 submitters: Pathogenic (1). 1 of the submissions does not count toward it. Last evaluated 2026-01-31.

Conditions:
LAMA2-related muscular dystrophy (LAMA2-RD). Also called: Laminin alpha 2-related dystrophy. Identifiers: MedGen C5679788, MONDO:0100228.
Merosin deficient congenital muscular dystrophy (MDC1A). Also called: Congenital Muscular Dystrophy Type 1A (MDC1A); Congenital merosin-deficient muscular dystrophy 1A. Identifiers: Orphanet 258, MedGen C1263858, MONDO:0011925, OMIM 607855.

Submissions (2):

Labcorp Genetics (formerly Invitae), Labcorp
Classification: Pathogenic for LAMA2-related muscular dystrophy. Last evaluated: 2026-01-31. Review status: criteria provided, single submitter. Criteria: Invitae Variant Classification Sherloc (09022015). Collection method: clinical testing. Allele origin: germline.
Comment: This sequence change creates a premature translational stop signal (p.Gln36*) in the LAMA2 gene. It is expected to result in an absent or disrupted protein product. Loss-of-function variants in LAMA2 are known to be pathogenic (PMID: 18700894, 32904964). This variant is not present in population databases (gnomAD no frequency). This premature translational stop signal has been observed in individual(s) with LAMA2-related conditions (PMID: 39941024). ClinVar contains an entry for this variant (Variation ID: 552296). For these reasons, this variant has been classified as Pathogenic.

Counsyl
Classification: Likely pathogenic for Merosin deficient congenital muscular dystrophy. Last evaluated: 2017-06-02. Review status: no assertion criteria provided. Collection method: clinical testing. Allele origin: unknown. Not counted in ClinVar's aggregate classification.

Literature cited by the submitters: PubMed 18700894 (cited by Labcorp Genetics (formerly Invitae), Labcorp); PubMed 32904964 (cited by Labcorp Genetics (formerly Invitae), Labcorp); PubMed 39941024 (cited by Labcorp Genetics (formerly Invitae), Labcorp).